The following is an entry in ClinVar:

NM_024678.6(NARS2):c.1231C>T (p.Arg411Ter)

Gene: NARS2 (asparaginyl-tRNA synthetase 2, mitochondrial; minus strand). Cytogenetic location: 11q14.1.
Variant type: single nucleotide variant.
Coding change: c.1231C>T on transcript NM_024678.6 (MANE Select); coding-DNA position 1231, C replaced by T.
Protein change: p.Arg411Ter; replaces arginine 411 with a stop codon.
Molecular consequence: nonsense. On other transcripts: non-coding transcript variant (4).
Genome position (GRCh38, 1-based): chr11:78,443,692, G>A on the plus strand (C>T on the coding strand, the complement: NARS2 is on the minus strand). VCF-style: chr11-78443692-G-A. GRCh37 (hg19) VCF-style: chr11-78154738-G-A.
Other names: c.673C>T, p.Arg225Ter (NM_001425310.1); c.580C>T, p.Arg194Ter (NM_001425311.1); c.550C>T, p.Arg184Ter (NM_001425312.1, NM_001425313.1, NM_001425314.1 and 1 more transcripts); c.1354C>T, p.Arg452Ter (NM_001425299.1); c.1231C>T, p.Arg411Ter (NM_001425300.1, NM_001425305.1); c.1159C>T, p.Arg387Ter (NM_001425301.1); c.1150C>T, p.Arg384Ter (NM_001425302.1, NM_001425303.1); c.1093C>T, p.Arg365Ter (NM_001425304.1); and 4 more; short protein forms R184*, R194*, R225*, R321*, R334*, R335*, R341*, R365*.
Identifiers: ClinVar variation 4538214 (VCV004538214.1).
Genomic context (GRCh38, chr11:78,443,692, plus strand): 5'-ATTGTGTTTCTTTTAGGTCTGACCAGTACCTGGCTAAGCGCTCCTCTAAGAAATGGTATC[G>A]TTCTTCTCTGAGGCCTCCTCCAAAGAGTTCCCCAACTCCAGGAACCAGAAGATCAACAGC-3'

ClinVar aggregate classification (germline): Likely pathogenic (1 of 4 stars; one submission).

Conditions:
Hearing loss, autosomal recessive 94. Also called: Deafness, autosomal recessive 94. Identifiers: MedGen C5193096, MONDO:0032749, OMIM 618434.

gnomAD v4.1: 4 of 1,613,108 alleles (0.00025%); highest among the groups gnomAD compares: South Asian, 0.0022%; no homozygotes.

Submission:

Greenwood Genetic Center Diagnostic Laboratories, Greenwood Genetic Center
Classification: Likely pathogenic for Hearing loss, autosomal recessive 94. Last evaluated: 2025-05-06. Review status: criteria provided, single submitter. Criteria: ACMG Guidelines, 2015. Collection method: clinical testing. Allele origin: germline. Affected: yes.
Comment: PVS1, PM2